The following is an entry in ClinVar:

NM_201596.3(CACNB2):c.1207-294G>A

Gene: CACNB2 (calcium voltage-gated channel auxiliary subunit beta 2; plus strand). Cytogenetic location: 10p12.31.
Variant type: single nucleotide variant.
Coding change: c.1207-294G>A on transcript NM_201596.3 (MANE Select); 294 bases into the intron before coding-DNA position 1207, G replaced by A.
Molecular consequence: intron variant.
Genome position (GRCh38, 1-based): chr10:18,535,807, G>A. VCF-style: chr10-18535807-G-A. GRCh37 (hg19) VCF-style: chr10-18824736-G-A.
Other names: c.1123-294G>A (NM_201571.4); c.1009-294G>A (NM_001167945.2); c.1051-294G>A (NM_201572.4); c.1093-294G>A (NM_201593.3); c.1135-294G>A (NM_201597.3); c.1042-294G>A (NM_000724.4); c.928-294G>A (NM_001330060.2); c.1045-294G>A (NM_201590.3); and 1 more.
Identifiers: ClinVar variation 671493 (VCV000671493.1), dbSNP rs116957158, ClinGen allele CA15631874.
Genomic context (GRCh38, chr10:18,535,807, plus strand): 5'-TGGGCAACAGAGCGAGACTACATCTCAAAAATATATATATATATATTTTAACATGTATCA[G>A]ATTTATTGTGAATTTTTAAATAAATGTTTTAATAGTTTTCCATTTTAGCTTCTTTAAAGA-3'

ClinVar aggregate classification (germline): Likely benign (1 of 4 stars; one submission).

Allele frequency attached by ClinVar (database versions not stated): 1000 Genomes Project 0.00919; 1000 Genomes Project 30x 0.00921; gnomAD 0.01567 and 0.01601; TOPMed 0.01569.
gnomAD v4.1: 2,376 of 151,992 alleles (1.6%); highest among the groups gnomAD compares: Middle Eastern, 3.7%; 40 homozygotes.

Submission:

GeneDx
Classification: Likely benign. Last evaluated: 2018-06-14. Review status: criteria provided, single submitter. Criteria: GeneDx Variant Classification (06012015). Collection method: clinical testing. Allele origin: germline. Affected: yes.
Comment: This variant is considered likely benign or benign based on one or more of the following criteria: it is a conservative change, it occurs at a poorly conserved position in the protein, it is predicted to be benign by multiple in silico algorithms, and/or has population frequency not consistent with disease.